The following is an entry in ClinVar:

NM_201378.4(PLEC):c.71-11660G>C

Gene: PLEC (plectin; minus strand). Cytogenetic location: 8q24.3.
Variant type: single nucleotide variant.
Coding change: c.71-11660G>C on transcript NM_201378.4 (MANE Plus Clinical); 11660 bases into the intron before coding-DNA position 71, G replaced by C.
Molecular consequence: intron variant. On other transcripts: missense variant (1).
Genome position (GRCh38, 1-based): chr8:143,950,352, C>G on the plus strand (G>C on the coding strand, the complement: PLEC is on the minus strand). VCF-style: chr8-143950352-C-G. GRCh37 (hg19) VCF-style: chr8-145024520-C-G.
Other names: c.355G>C, p.Val119Leu (NM_201380.4); c.194-11660G>C (NM_001410941.1, NM_000445.5); c.46+3374G>C (NM_201379.3); short protein forms V119L.
Identifiers: ClinVar variation 3356286 (VCV003356286.1).

ClinVar aggregate classification (germline): Likely benign (0 of 4 stars; one submission).

Conditions:
PLEC-related disorder. Also called: PLEC-related condition; PLEC-related disorders.

gnomAD v4.1: 212 of 1,585,054 alleles (0.013%); highest among the groups gnomAD compares: South Asian, 0.23%; 1 homozygote.

Submission:

PreventionGenetics, part of Exact Sciences
Classification: Likely benign for PLEC-related condition. Last evaluated: 2024-03-21. Review status: no assertion criteria provided. Collection method: clinical testing. Allele origin: germline.
Comment: This variant is classified as likely benign based on ACMG/AMP sequence variant interpretation guidelines (Richards et al. 2015 PMID: 25741868, with internal and published modifications).